The following is an entry in ClinVar:

ClinVar aggregate classification (germline): Uncertain significance (1 of 4 stars; one submission).

Submission:

GeneDx
Classification: Uncertain significance. Last evaluated: 2024-11-26. Review status: criteria provided, single submitter. Criteria: GeneDx Variant Classification Process June 2021. Collection method: clinical testing. Allele origin: germline. Affected: yes.
Comment: Not observed at significant frequency in large population cohorts (gnomAD); In silico analysis indicates that this variant does not alter splicing; Has not been previously published as pathogenic or benign to our knowledge

NM_001005273.3(CHD3):c.5026+5T>G

Gene: CHD3 (chromodomain helicase DNA binding protein 3; plus strand). Cytogenetic location: 17p13.1.
Variant type: single nucleotide variant.
Coding change: c.5026+5T>G on transcript NM_001005273.3 (MANE Select); 5 bases into the intron after coding-DNA position 5026, T replaced by G.
Molecular consequence: intron variant.
Genome position (GRCh38, 1-based): chr17:7,907,707, T>G. VCF-style: chr17-7907707-T-G. GRCh37 (hg19) VCF-style: chr17-7811025-T-G.
Other names: c.5203+5T>G (NM_001005271.3); c.4925-187T>G (NM_005852.4).
Identifiers: ClinVar variation 3900798 (VCV003900798.1).